The following is an entry in ClinVar:

NM_138927.4(SON):c.4119_4142del (p.1370SSTVTVLE[1])

Gene: SON (SON DNA and RNA binding protein; plus strand). Cytogenetic location: 21q22.11.
Variant type: Deletion.
Coding change: c.4119_4142del on transcript NM_138927.4 (MANE Select); coding-DNA positions 4119 to 4142, 24 bases deleted (GACTGTCCTGGAGTCTTCGACTGT).
Protein change: p.1370SSTVTVLE[1].
Molecular consequence: inframe deletion. On other transcripts: inframe indel (3), non-coding transcript variant (1), intron variant (1).
Genome position (GRCh38, 1-based): chr21:33,553,350-33,553,373, GACTGTCCTGGAGTCTTCGACTGT deleted; deleting any 24 consecutive bases within chr21:33,553,330-33,553,373 gives the same sequence; the c. name uses the placement nearest the transcript's 3' end. VCF-style (leftmost placement, unchanged base first): chr21-33553329-CGTCCTGGAGTCTTCGACTGTGACT-C. GRCh37 (hg19) VCF-style: chr21-34925635-CGTCCTGGAGTCTTCGACTGTGACT-C.
Other names: c.4119_4142del, p.1370SSTVTVLE[1] (NM_001291411.2, NM_032195.3); c.4119_4142del24, p.Ser1378_Glu1385del (NM_001412133.1, NM_058183.2, NM_138926.1); c.245-3806_245-3783del (NM_001291412.3); c.4119_4142del24 (NM_138927.2).
Identifiers: ClinVar variation 2158072 (VCV002158072.30), dbSNP rs748337491, ClinGen allele CA10009447.

ClinVar aggregate classification (germline): Likely benign. Review status: criteria provided, multiple submitters, no conflicts (2 of 4 stars). 4 submissions from 4 submitters: Likely benign (3). 1 of the submissions does not count toward it. Last evaluated 2026-07-01.

Conditions:
SON-related disorder. Also called: SON-related condition.

Submissions (4):

CeGaT Center for Human Genetics Tuebingen
Classification: Likely benign. Last evaluated: 2026-07-01. Review status: criteria provided, single submitter. Criteria: CeGaT Center For Human Genetics Tuebingen Variant Classification Criteria Version 2. Collection method: clinical testing. Allele origin: germline. Affected: yes. Observed: 3 variant alleles.
Comment: SON: PM4, BS1

Labcorp Genetics (formerly Invitae), Labcorp
Classification: Likely benign. Last evaluated: 2026-01-05. Review status: criteria provided, single submitter. Criteria: Invitae Variant Classification Sherloc (09022015). Collection method: clinical testing. Allele origin: germline.

Laboratory of Genetics, Children's Clinical University Hospital Latvia
Classification: Likely benign. Last evaluated: 2025-02-16. Review status: criteria provided, single submitter. Criteria: ACMG Guidelines, 2015. Collection method: clinical testing. Allele origin: germline. Affected: yes.

PreventionGenetics, part of Exact Sciences
Classification: Likely benign for SON-related condition. Last evaluated: 2020-11-10. Review status: no assertion criteria provided. Collection method: clinical testing. Allele origin: germline. Not counted in ClinVar's aggregate classification.
Comment: This variant is classified as likely benign based on ACMG/AMP sequence variant interpretation guidelines (Richards et al. 2015 PMID: 25741868, with internal and published modifications).